The following is an entry in ClinVar:

ClinVar aggregate classification (germline): Likely benign. Review status: criteria provided, multiple submitters, no conflicts (2 of 4 stars). 2 submissions from 2 submitters: Likely benign (2). Last evaluated 2023-11-02.

Conditions:
Cardiomyopathy (CMYO). Also called: Cardiomyopathies. Identifiers: Orphanet 167848, MedGen C0878544, MONDO:0004994, HP:0001638. Inheritance: Various modes of inheritance.
Familial isolated arrhythmogenic right ventricular dysplasia. Identifiers: Orphanet 217656, MedGen C4274968, MONDO:0016342.

Submissions (2):

All of Us Research Program, National Institutes of Health
Classification: Likely benign for Familial isolated arrhythmogenic right ventricular dysplasia. Last evaluated: 2023-11-02. Review status: criteria provided, single submitter. Criteria: ACMG Guidelines, 2015. Collection method: clinical testing. Allele origin: germline. Inheritance: Autosomal dominant inheritance. Observed: 2 variant alleles, 2 heterozygotes.
Comment: This study involves interpretation of variants in research participants for the purpose of population health screening. Participant phenotype was not available at the time of variant classification. Additional details can be found in publication PMID: 35346344, PMCID: PMC8962531

Color Diagnostics, LLC DBA Color Health
Classification: Likely benign for Cardiomyopathy. Last evaluated: 2020-02-25. Review status: criteria provided, single submitter. Criteria: ACMG Guidelines, 2015. Collection method: clinical testing. Allele origin: germline.

NM_024422.6(DSC2):c.24C>T (p.Gly8=)

Genes: DSC2 (desmocollin 2; minus strand), DSCAS (DSC1/DSC2 antisense RNA; plus strand). Cytogenetic location: 18q12.1.
Variant type: single nucleotide variant.
Coding change: c.24C>T on transcript NM_024422.6 (MANE Select); coding-DNA position 24, C replaced by T.
Protein change: p.Gly8=; no amino-acid change (glycine 8 retained).
Molecular consequence: synonymous variant.
Genome position (GRCh38, 1-based): chr18:31,101,948, G>A on the plus strand (C>T on the coding strand, the complement: DSC2 is on the minus strand). VCF-style: chr18-31101948-G-A. GRCh37 (hg19) VCF-style: chr18-28681911-G-A.
Other names: c.24C>T, p.Gly8= (NM_004949.5).
Identifiers: ClinVar variation 922112 (VCV000922112.3), dbSNP rs1987977472, ClinGen allele CA503391581.